The following is an entry in ClinVar:

NM_004423.4(DVL3):c.856G>T (p.Ala286Ser)

Gene: DVL3 (dishevelled segment polarity protein 3; plus strand). Cytogenetic location: 3q27.1.
Variant type: single nucleotide variant.
Coding change: c.856G>T on transcript NM_004423.4 (MANE Select); coding-DNA position 856, G replaced by T.
Protein change: p.Ala286Ser; replaces alanine 286 with serine.
Molecular consequence: missense variant.
Genome position (GRCh38, 1-based): chr3:184,166,218, G>T. VCF-style: chr3-184166218-G-T. GRCh37 (hg19) VCF-style: chr3-183884006-G-T.
Other names: short protein forms A286S.
Identifiers: ClinVar variation 1434430 (VCV001434430.8), dbSNP rs879163426, ClinGen allele CA355409157.

ClinVar aggregate classification (germline): Uncertain significance (1 of 4 stars; one submission).

Allele frequency attached by ClinVar (database versions not stated): gnomAD exomes below 0.00001.
gnomAD v4.1: 1 of 1,613,206 alleles (0.000062%); highest among the groups gnomAD compares: Non-Finnish European, 0.000085%; no homozygotes.

Submission:

Labcorp Genetics (formerly Invitae), Labcorp
Classification: Uncertain significance. Last evaluated: 2021-07-16. Review status: criteria provided, single submitter. Criteria: Invitae Variant Classification Sherloc (09022015). Collection method: clinical testing. Allele origin: germline.
Comment: In summary, the available evidence is currently insufficient to determine the role of this variant in disease. Therefore, it has been classified as a Variant of Uncertain Significance. Algorithms developed to predict the effect of missense changes on protein structure and function (SIFT, PolyPhen-2, Align-GVGD) all suggest that this variant is likely to be disruptive. This variant has not been reported in the literature in individuals affected with DVL3-related conditions. This variant is not present in population databases (ExAC no frequency). This sequence change replaces alanine with serine at codon 286 of the DVL3 protein (p.Ala286Ser). The alanine residue is highly conserved and there is a moderate physicochemical difference between alanine and serine.